The following is an entry in ClinVar:

NM_198692.3(KRTAP10-11):c.369T>C (p.Ala123=)

Genes: KRTAP10-11 (keratin associated protein 10-11; plus strand), TSPEAR (thrombospondin type laminin G domain and EAR repeats; minus strand). Cytogenetic location: 21q22.3.
Variant type: single nucleotide variant.
Coding change: c.369T>C on transcript NM_198692.3 (MANE Select); coding-DNA position 369, T replaced by C.
Protein change: p.Ala123=; no amino-acid change (alanine 123 retained).
Molecular consequence: synonymous variant. On other transcripts: intron variant (2).
Genome position (GRCh38, 1-based): chr21:44,646,827, T>C. VCF-style: chr21-44646827-T-C. GRCh37 (hg19) VCF-style: chr21-46066744-T-C.
Other names: c.82+64606A>G (NM_144991.3); c.-123+43718A>G (NM_001272037.2).
Identifiers: ClinVar variation 2652776 (VCV002652776.24), dbSNP rs782696696, ClinGen allele CA10060837.
Genomic context (GRCh38, chr21:44,646,827, plus strand): 5'-CTGCTGCAAGACTGTCTGCTGCAAGCCTGTGTGCTGTGTGCCTGTCTGCTGTGGGGCTGC[T>C]TCTTCGTGCTGCCGGCAGTCTAGCTGCCAGCCAGCTTGCTGTGCCTCTTCCTCCTGCCAG-3'
Protein context (NP_941965.2, residues 113-133): VCCVPVCCGA[Ala123=]SSCCRQSSCQ

ClinVar aggregate classification (germline): Likely benign (1 of 4 stars; one submission).

Allele frequency attached by ClinVar (database versions not stated): gnomAD 0.00001; gnomAD exomes 0.00002; ExAC 0.00012.
gnomAD v4.1: 33 of 1,563,724 alleles (0.0021%); highest among the groups gnomAD compares: South Asian, 0.031%; no homozygotes.

Submission:

CeGaT Center for Human Genetics Tuebingen
Classification: Likely benign. Last evaluated: 2023-04-01. Review status: criteria provided, single submitter. Criteria: CeGaT Center For Human Genetics Tuebingen Variant Classification Criteria Version 2. Collection method: clinical testing. Allele origin: germline. Affected: yes. Observed: 1 variant allele.
Comment: KRTAP10-11: BP4, BP7